The following is an entry in ClinVar:

ClinVar aggregate classification (germline): Uncertain significance (1 of 4 stars; one submission).

Conditions:
Charcot-Marie-Tooth disease type 2E (CMT2E). Also called: CHARCOT-MARIE-TOOTH NEUROPATHY, TYPE 2E; CHARCOT-MARIE-TOOTH DISEASE, AXONAL, TYPE 2E. Identifiers: Orphanet 99939, MedGen C1843225, MONDO:0011894, OMIM 607684.

Allele frequency attached by ClinVar (database versions not stated): gnomAD 0.00001; TOPMed 0.00002.
gnomAD v4.1: 2 of 1,610,782 alleles (0.00012%); highest among the groups gnomAD compares: African/African-American, 0.0027%; no homozygotes.

Submission:

Labcorp Genetics (formerly Invitae), Labcorp
Classification: Uncertain significance for Charcot-Marie-Tooth disease type 2E. Last evaluated: 2020-11-27. Review status: criteria provided, single submitter. Criteria: Invitae Variant Classification Sherloc (09022015). Collection method: clinical testing. Allele origin: germline.
Comment: This variant is not present in population databases (ExAC no frequency). In summary, the available evidence is currently insufficient to determine the role of this variant in disease. Therefore, it has been classified as a Variant of Uncertain Significance. Experimental studies and prediction algorithms are not available or were not evaluated, and the functional significance of this variant is currently unknown. This variant has not been reported in the literature in individuals with NEFL-related conditions. This sequence change replaces aspartic acid with glutamic acid at codon 72 of the NEFL protein (p.Asp72Glu). The aspartic acid residue is highly conserved and there is a small physicochemical difference between aspartic acid and glutamic acid.

NM_006158.5(NEFL):c.216C>A (p.Asp72Glu)

Gene: NEFL (neurofilament light chain; minus strand). Cytogenetic location: 8p21.2.
Variant type: single nucleotide variant.
Coding change: c.216C>A on transcript NM_006158.5 (MANE Select); coding-DNA position 216, C replaced by A.
Protein change: p.Asp72Glu; replaces aspartic acid 72 with glutamic acid.
Molecular consequence: missense variant.
Genome position (GRCh38, 1-based): chr8:24,956,300, G>T on the plus strand (C>A on the coding strand, the complement: NEFL is on the minus strand). VCF-style: chr8-24956300-G-T. GRCh37 (hg19) VCF-style: chr8-24813814-G-T.
Other names: short protein forms D72E.
Identifiers: ClinVar variation 1425015 (VCV001425015.6), dbSNP rs1411798677, ClinGen allele CA370623161.